The following is an entry in ClinVar:

NM_001218.5(CA12):c.956_957del (p.Val319fs)

Gene: CA12 (carbonic anhydrase 12; minus strand). Cytogenetic location: 15q22.2.
Variant type: Microsatellite.
Coding change: c.956_957del on transcript NM_001218.5 (MANE Select); coding-DNA positions 956 to 957, 2 bases deleted (TG; older notation c.956_957delTG).
Protein change: p.Val319fs; shifts the reading frame from valine 319.
Molecular consequence: frameshift variant. On other transcripts: non-coding transcript variant (1).
Genome position (GRCh38, 1-based): chr15:63,327,184-63,327,185, CA deleted on the plus strand (TG on the coding strand, the reverse complement: CA12 is on the minus strand); deleting any 2 consecutive bases within chr15:63,327,184-63,327,187 gives the same sequence; the c. name uses the placement nearest the transcript's 3' end. VCF-style (leftmost placement, unchanged base first): chr15-63327183-CCA-C. GRCh37 (hg19) VCF-style: chr15-63619382-CCA-C.
Other names: c.743_744del, p.Val248fs (NM_001293642.2); c.923_924del, p.Val308fs (NM_206925.3); short protein forms V248fs, V319fs, V308fs.
Identifiers: ClinVar variation 561267 (VCV000561267.4), dbSNP rs757974800, ClinGen allele CA7602279.
Genomic context (GRCh38, chr15:63,327,183, plus strand): 5'-CCCATTTTGGACCCAAACCAGCTCACCTCTTCCTTCTGAAAAGCCAAATGGACACCACCA[CCA>C]CAATACAGATGCCAAGAATGCCAGCCAGGGCCAGTGAGAGGATGATGCCTGGTGAAGAGG-3'

ClinVar aggregate classification (germline): Likely pathogenic (1 of 4 stars; one submission).

Conditions:
Isolated hyperchlorhidrosis. Identifiers: Orphanet 542657, MedGen C1840437, MONDO:0007747, OMIM 143860.

Submission:

GeneID Lab - Advanced Molecular Diagnostics
Classification: Likely pathogenic for Isolated Hyperchlorhidrosis. Last evaluated: 2018-03-10. Review status: criteria provided, single submitter. Criteria: ACMG Guidelines, 2015. Collection method: clinical testing. Allele origin: germline. Affected: no. Observed: 1 variant allele.
Comment: This variant deletes two nucleotides resulting in an amino acid alteration, replacing a valine (V) with a glycine (G) at codon 319 creating a premature stop signal in the new reading frame noted as p.V319Gfs*17. The substitution is predicted to result in a non-functional CA12 protein, either through protein truncation or nonsense-mediated mRNA decay. This mutation is considered a non-tolerated amino acid change based on in silico prediction algorithms (disease causing), it has not been reported in the ClinVar Database (NCBI National Library of Medicine, NIH), but it has been described in 27 alleles out of 120522, in the ExAC database, all of them belonging to heterozygous carries of Latino origin. Based on these findings and the limited literature regarding this substitution we consider it as a likely pathogenic variant.